The following is an entry in ClinVar:

ClinVar aggregate classification (germline): Conflicting classifications of pathogenicity. Review status: criteria provided, conflicting classifications (1 of 4 stars). 5 submissions from 5 submitters: Uncertain significance (3); Likely benign (2). Last evaluated 2025-12-20.

Conditions:
Dilated cardiomyopathy 1EE (CMD1EE). Identifiers: Orphanet 154, MedGen C2750466, MONDO:0013198, OMIM 613252.
Sick sinus syndrome 3, susceptibility to (SSS3). Identifiers: Orphanet 166282, MedGen C3279791, MONDO:0013568, OMIM 614090.
Hypertrophic cardiomyopathy 1 (CMH1). Also called: Familial hypertrophic cardiomyopathy 1; MYH7-Related Familial Hypertrophic Cardiomyopathy. Identifiers: MedGen C3495498, MONDO:0008647, OMIM 192600.
Hypertrophic cardiomyopathy 14. Identifiers: MedGen C2750467, MONDO:0013197, OMIM 613251.
Atrial septal defect 3 (ASD3). Identifiers: Orphanet 1478, MedGen C3279790, MONDO:0013567, OMIM 614089.
Cardiovascular phenotype. Identifiers: MedGen CN230736.

Allele frequency attached by ClinVar (database versions not stated): gnomAD exomes 0.00003 and 0.00011; ExAC 0.00007; gnomAD 0.00007; TOPMed 0.00007.
gnomAD v4.1: 68 of 1,614,106 alleles (0.0042%); highest among the groups gnomAD compares: Admixed American, 0.0083%; no homozygotes.

Submissions (5):

Labcorp Genetics (formerly Invitae), Labcorp
Classification: Likely benign for Hypertrophic cardiomyopathy 14. Last evaluated: 2025-12-20. Review status: criteria provided, single submitter. Criteria: Invitae Variant Classification Sherloc (09022015). Collection method: clinical testing. Allele origin: germline.

Ambry Genetics
Classification: Likely benign for Cardiovascular phenotype. Last evaluated: 2024-06-21. Review status: criteria provided, single submitter. Criteria: Ambry Variant Classification Scheme 2023. Collection method: clinical testing. Allele origin: germline.

Revvity Omics, Revvity
Classification: Uncertain significance. Last evaluated: 2023-02-07. Review status: criteria provided, single submitter. Criteria: ACMG Guidelines, 2015. Collection method: clinical testing. Allele origin: germline.

New York Genome Center
Classification: Uncertain significance for Hypertrophic cardiomyopathy 14; Dilated cardiomyopathy 1EE; Sick sinus syndrome 3, susceptibility to. Last evaluated: 2023-01-19. Review status: criteria provided, single submitter. Criteria: NYGC Assertion Criteria 2020. Collection method: clinical testing. Allele origin: germline. Observed: 1 heterozygote.
Comment: The c.1244G>C p.(Gly415Ala) variant identified in the MYH6 gene substitutes a conserved Glycine for Alanine at amino acid 415/1940 (exon 13/39). This variant is found with low frequency in population databases (gnomADv2.1.1, gnomADv3.1.2, BRAVO-TOPMed) with allele frequency 1.09e-4 suggesting it is not a common benign variant in the populations represented in those databases. In silico algorithms predict this variant to be damaging to the function of the canonical transcript (REVEL=0.803). The c.1244G>C p.(Gly415Ala) variant is reported in ClinVar (VarID:239163) as both a Variant of Uncertain Significance (n=2) and as Likely Benign (n=1), however the evidence used for the Likely Benign assertion was not available for our review. This variant was identified in a single patient who underwent genetic testing with a cardiomyopathy gene panel, however detailed clinical information was not available for that individual and the c.1244G>C p.(Gly415Ala) variant was considered of uncertain clinical significance ([PMID:30847666] Supp File 2). Given the lack of compelling evidence for its pathogenicity, the c.1244G>C p.(Gly415Ala) variant identified in the MYH6 gene is reported as a Variant of Uncertain Significance.

Fulgent Genetics
Classification: Uncertain significance for Hypertrophic cardiomyopathy 1; Hypertrophic cardiomyopathy 14; Dilated cardiomyopathy 1EE; Atrial septal defect 3; Sick sinus syndrome 3, susceptibility to. Last evaluated: 2018-10-31. Review status: criteria provided, single submitter. Criteria: ACMG Guidelines, 2015. Collection method: clinical testing. Allele origin: unknown.

Literature cited by the submitters: PubMed 30847666 (cited by Ambry Genetics).

NM_002471.4(MYH6):c.1244G>C (p.Gly415Ala)

Gene: MYH6 (myosin heavy chain 6; minus strand). Cytogenetic location: 14q11.2.
Variant type: single nucleotide variant.
Coding change: c.1244G>C on transcript NM_002471.4 (MANE Select); coding-DNA position 1244, G replaced by C.
Protein change: p.Gly415Ala; replaces glycine 415 with alanine.
Molecular consequence: missense variant.
Genome position (GRCh38, 1-based): chr14:23,400,875, C>G on the plus strand (G>C on the coding strand, the complement: MYH6 is on the minus strand). VCF-style: chr14-23400875-C-G. GRCh37 (hg19) VCF-style: chr14-23870084-C-G.
Other names: short protein forms G415A.
Identifiers: ClinVar variation 239163 (VCV000239163.18), dbSNP rs759520932, ClinGen allele CA7115852.